The following is an entry in ClinVar:

ClinVar aggregate classification (germline): Uncertain significance (1 of 4 stars; one submission).

Conditions:
Cardiovascular phenotype. Identifiers: MedGen CN230736.

Submission:

Ambry Genetics
Classification: Uncertain significance for Cardiovascular phenotype. Last evaluated: 2025-05-05. Review status: criteria provided, single submitter. Criteria: Ambry Variant Classification Scheme 2023. Collection method: clinical testing. Allele origin: germline.
Comment: The p.T835S variant (also known as c.2503A>T), located in coding exon 15 of the DSG2 gene, results from an A to T substitution at nucleotide position 2503. The threonine at codon 835 is replaced by serine, an amino acid with similar properties. This amino acid position is conserved. In addition, this alteration is predicted to be tolerated by in silico analysis. Based on the available evidence, the clinical significance of this variant remains unclear.

NM_001943.5(DSG2):c.2503A>T (p.Thr835Ser)

Genes: DSG2 (desmoglein 2; plus strand), DSG2-AS1 (DSG2 antisense RNA 1; minus strand). Cytogenetic location: 18q12.1.
Variant type: single nucleotide variant.
Coding change: c.2503A>T on transcript NM_001943.5 (MANE Select); coding-DNA position 2503, A replaced by T.
Protein change: p.Thr835Ser; replaces threonine 835 with serine.
Molecular consequence: missense variant. On other transcripts: non-coding transcript variant (1).
Genome position (GRCh38, 1-based): chr18:31,545,889, A>T. VCF-style: chr18-31545889-A-T. GRCh37 (hg19) VCF-style: chr18-29125852-A-T.
Other names: short protein forms T835S.
Identifiers: ClinVar variation 4015021 (VCV004015021.1).